The following is an entry in ClinVar:

ClinVar aggregate classification (germline): Conflicting classifications of pathogenicity. Review status: criteria provided, conflicting classifications (1 of 4 stars). 2 submissions from 2 submitters: Uncertain significance (1); Benign (1). Last evaluated 2026-01-28.

Conditions:
RASopathy. Also called: rasopathies; Noonan spectrum disorder. Identifiers: Orphanet 536391, MedGen C5555857, MONDO:0021060.

Allele frequency attached by ClinVar (database versions not stated): gnomAD 0.00001; TOPMed 0.00001; ExAC 0.00007; 1000 Genomes Project 30x 0.00016; 1000 Genomes Project 0.00020.
gnomAD v4.1: 18 of 1,603,840 alleles (0.0011%); highest among the groups gnomAD compares: Non-Finnish European, 0.0014%; no homozygotes.

Submissions (2):

Labcorp Genetics (formerly Invitae), Labcorp
Classification: Uncertain significance for RASopathy. Last evaluated: 2026-01-28. Review status: criteria provided, single submitter. Criteria: Invitae Variant Classification Sherloc (09022015). Collection method: clinical testing. Allele origin: germline.
Comment: This sequence change replaces proline, which is neutral and non-polar, with alanine, which is neutral and non-polar, at codon 301 of the MAP2K2 protein (p.Pro301Ala). This variant is present in population databases (rs532266535, gnomAD 0.004%). This variant has not been reported in the literature in individuals affected with MAP2K2-related conditions. ClinVar contains an entry for this variant (Variation ID: 2416644). Invitae Evidence Modeling of protein sequence and biophysical properties (such as structural, functional, and spatial information, amino acid conservation, physicochemical variation, residue mobility, and thermodynamic stability) indicates that this missense variant is not expected to disrupt MAP2K2 protein function with a negative predictive value of 95%. In summary, the available evidence is currently insufficient to determine the role of this variant in disease. Therefore, it has been classified as a Variant of Uncertain Significance.

Laboratory of Genetics, Children's Clinical University Hospital Latvia
Classification: Benign. Last evaluated: 2025-02-16. Review status: criteria provided, single submitter. Criteria: ACMG Guidelines, 2015. Collection method: clinical testing. Allele origin: germline. Affected: yes.

NM_030662.4(MAP2K2):c.901C>G (p.Pro301Ala)

Gene: MAP2K2 (mitogen-activated protein kinase kinase 2; minus strand). Cytogenetic location: 19p13.3.
Variant type: single nucleotide variant.
Coding change: c.901C>G on transcript NM_030662.4 (MANE Select); coding-DNA position 901, C replaced by G.
Protein change: p.Pro301Ala; replaces proline 301 with alanine.
Molecular consequence: missense variant.
Genome position (GRCh38, 1-based): chr19:4,099,219, G>C on the plus strand (C>G on the coding strand, the complement: MAP2K2 is on the minus strand). VCF-style: chr19-4099219-G-C. GRCh37 (hg19) VCF-style: chr19-4099217-G-C.
Other names: short protein forms P301A.
Identifiers: ClinVar variation 2416644 (VCV002416644.7), dbSNP rs532266535, ClinGen allele CA9090802.
Genomic context (GRCh38, chr19:4,099,219, plus strand): 5'-GCACTGCGCGTCCAGACCGGAAGTTGCAGATTCAGGCCGTACCGCTGACGGGGCGCCCGG[G>C]GGGCCTCGGCCGAGGCGAGATGCTGTGAGGCTCTCCTTCTTCCCCGTCGACCACGGGCCG-3'
Protein context (NP_109587.1, residues 291-311): PHSISPRPRP[Pro301Ala]GRPVSGHGMD